The following is an entry in ClinVar:

ClinVar aggregate classification (germline): Uncertain significance. Review status: criteria provided, multiple submitters, no conflicts (2 of 4 stars). 4 submissions from 4 submitters: Uncertain significance (4). Last evaluated 2025-10-02.

Conditions:
Tuberous sclerosis syndrome (TSC). Also called: Tuberous Sclerosis Complex; Tuberous sclerosis. Identifiers: Orphanet 805, MedGen C0041341, MONDO:0001734.
Hereditary cancer-predisposing syndrome. Also called: Hereditary neoplastic syndrome; Neoplastic Syndromes, Hereditary; Tumor predisposition; Hereditary Cancer Syndrome. Identifiers: Orphanet 140162, MedGen C0027672, MeSH D009386, MONDO:0015356.
Tuberous sclerosis 1 (TSC1). Identifiers: Orphanet 805, MedGen C1854465, MONDO:0008612, OMIM 191100.

Submissions (4):

Ambry Genetics
Classification: Uncertain significance for Hereditary cancer-predisposing syndrome. Last evaluated: 2025-10-02. Review status: criteria provided, single submitter. Criteria: Ambry Variant Classification Scheme 2023. Collection method: clinical testing. Allele origin: germline.
Comment: The p.T308N variant (also known as c.923C>A), located in coding exon 8 of the TSC1 gene, results from a C to A substitution at nucleotide position 923. The threonine at codon 308 is replaced by asparagine, an amino acid with similar properties. This amino acid position is well conserved in available vertebrate species. In addition, the in silico prediction for this alteration is inconclusive. Since supporting evidence is limited at this time, the clinical significance of this alteration remains unclear.

All of Us Research Program, National Institutes of Health
Classification: Uncertain significance for Tuberous sclerosis syndrome. Last evaluated: 2024-03-05. Review status: criteria provided, single submitter. Criteria: ACMG Guidelines, 2015. Collection method: clinical testing. Allele origin: germline. Inheritance: Autosomal dominant inheritance. Observed: 1 variant allele, 1 heterozygote.
Comment: This study involves interpretation of variants in research participants for the purpose of population health screening. Participant phenotype was not available at the time of variant classification. Additional details can be found in publication PMID: 35346344, PMCID: PMC8962531

Genome-Nilou Lab
Classification: Uncertain significance for Tuberous sclerosis 1. Last evaluated: 2021-11-07. Review status: criteria provided, single submitter. Criteria: ACMG Guidelines, 2015. Collection method: clinical testing. Allele origin: germline. Affected: no.

Labcorp Genetics (formerly Invitae), Labcorp
Classification: Uncertain significance for Tuberous sclerosis 1. Last evaluated: 2020-05-20. Review status: criteria provided, single submitter. Criteria: Invitae Variant Classification Sherloc (09022015). Collection method: clinical testing. Allele origin: germline.
Comment: In summary, the available evidence is currently insufficient to determine the role of this variant in disease. Therefore, it has been classified as a Variant of Uncertain Significance. Algorithms developed to predict the effect of missense changes on protein structure and function are either unavailable or do not agree on the potential impact of this missense change (SIFT: "Tolerated"; PolyPhen-2: "Possibly Damaging"; Align-GVGD: "Class C0"). This variant has not been reported in the literature in individuals with TSC1-related conditions. ClinVar contains an entry for this variant (Variation ID: 480857). This variant is not present in population databases (ExAC no frequency). This sequence change replaces threonine with asparagine at codon 308 of the TSC1 protein (p.Thr308Asn). The threonine residue is moderately conserved and there is a small physicochemical difference between threonine and asparagine.

NM_000368.5(TSC1):c.923C>A (p.Thr308Asn)

Gene: TSC1 (TSC complex subunit 1; minus strand). Cytogenetic location: 9q34.13.
Variant type: single nucleotide variant.
Coding change: c.923C>A on transcript NM_000368.5 (MANE Select); coding-DNA position 923, C replaced by A.
Protein change: p.Thr308Asn; replaces threonine 308 with asparagine.
Molecular consequence: missense variant.
Genome position (GRCh38, 1-based): chr9:132,911,559, G>T on the plus strand (C>A on the coding strand, the complement: TSC1 is on the minus strand). VCF-style: chr9-132911559-G-T. GRCh37 (hg19) VCF-style: chr9-135786946-G-T.
Other names: c.923C>A, p.Thr308Asn (NM_001162426.2); c.770C>A, p.Thr257Asn (NM_001162427.2); c.560C>A, p.Thr187Asn (NM_001362177.2); short protein forms T308N, T187N, T257N.
Identifiers: ClinVar variation 480857 (VCV000480857.18), dbSNP rs1554817432, ClinGen allele CA375368745.
Genomic context (GRCh38, chr9:132,911,559, plus strand): 5'-TGAGGTAGCTGCCCTGGCATATTTAACAACATCAGCCGAGACGTGGAGTAAGGGGTAGAA[G>T]TAGCACACCCTAAAATGGAAGAGAAGAACACAGGGGGTTAGTGTGTGGTTTTAGGTTATT-3'
Protein context (NP_000359.1, residues 298-318): ADTQNSYGCA[Thr308Asn]STPYSTSRLM